The following is an entry in ClinVar:

NM_030928.4(CDT1):c.933+6C>T

Gene: CDT1 (chromatin licensing and DNA replication factor 1; plus strand). Cytogenetic location: 16q24.3.
Variant type: single nucleotide variant.
Coding change: c.933+6C>T on transcript NM_030928.4 (MANE Select); 6 bases into the intron after coding-DNA position 933, C replaced by T.
Molecular consequence: intron variant.
Genome position (GRCh38, 1-based): chr16:88,806,127, C>T. VCF-style: chr16-88806127-C-T. GRCh37 (hg19) VCF-style: chr16-88872535-C-T.
Identifiers: ClinVar variation 1933535 (VCV001933535.4), dbSNP rs913913329, ClinGen allele CA286418377.

ClinVar aggregate classification (germline): Uncertain significance (1 of 4 stars; one submission).

Allele frequency attached by ClinVar (database versions not stated): gnomAD exomes below 0.00001; gnomAD 0.00003; TOPMed 0.00006.
gnomAD v4.1: 8 of 1,581,638 alleles (0.00051%); highest among the groups gnomAD compares: African/African-American, 0.0094%; no homozygotes.

Submission:

Labcorp Genetics (formerly Invitae), Labcorp
Classification: Uncertain significance. Last evaluated: 2024-08-12. Review status: criteria provided, single submitter. Criteria: Invitae Variant Classification Sherloc (09022015). Collection method: clinical testing. Allele origin: germline.
Comment: This sequence change falls in intron 6 of the CDT1 gene. It does not directly change the encoded amino acid sequence of the CDT1 protein. It affects a nucleotide within the consensus splice site. The frequency data for this variant in the population databases is considered unreliable, as metrics indicate poor data quality at this position in the gnomAD database. This variant has not been reported in the literature in individuals affected with CDT1-related conditions. ClinVar contains an entry for this variant (Variation ID: 1933535). Variants that disrupt the consensus splice site are a relatively common cause of aberrant splicing (PMID: 17576681, 9536098). Algorithms developed to predict the effect of sequence changes on RNA splicing suggest that this variant is not likely to affect RNA splicing. In summary, the available evidence is currently insufficient to determine the role of this variant in disease. Therefore, it has been classified as a Variant of Uncertain Significance.

Literature cited by the submitters: PubMed 17576681; PubMed 9536098.